The following is an entry in ClinVar:

NM_201384.3(PLEC):c.6574C>T (p.Arg2192Trp)

Gene: PLEC (plectin; minus strand). Cytogenetic location: 8q24.3.
Variant type: single nucleotide variant.
Coding change: c.6574C>T on transcript NM_201384.3 (MANE Select); coding-DNA position 6574, C replaced by T.
Protein change: p.Arg2192Trp; replaces arginine 2192 with tryptophan.
Molecular consequence: missense variant.
Genome position (GRCh38, 1-based): chr8:143,923,355, G>A on the plus strand (C>T on the coding strand, the complement: PLEC is on the minus strand). VCF-style: chr8-143923355-G-A. GRCh37 (hg19) VCF-style: chr8-144997523-G-A.
Other names: c.6655C>T (NM_000445.4, NM_000445.3); c.6655C>T, p.Arg2219Trp (NM_000445.5); c.6532C>T, p.Arg2178Trp (NM_201378.4); c.6508C>T, p.Arg2170Trp (NM_201379.3); c.6985C>T, p.Arg2329Trp (NM_201380.4); c.6478C>T, p.Arg2160Trp (NM_201381.3); c.6574C>T, p.Arg2192Trp (NM_201382.4); c.6586C>T, p.Arg2196Trp (NM_201383.3); short protein forms R2160W, R2219W, R2170W, R2178W, R2192W, R2196W, R2329W.
Identifiers: ClinVar variation 1360792 (VCV001360792.8), dbSNP rs530046608, ClinGen allele CA4925939.

ClinVar aggregate classification (germline): Uncertain significance. Review status: criteria provided, multiple submitters, no conflicts (2 of 4 stars). 2 submissions from 2 submitters: Uncertain significance (2). Last evaluated 2025-07-03.

Conditions:
Inborn genetic diseases. Identifiers: MedGen C0950123, MeSH D030342.
Epidermolysis bullosa simplex, Ogna type (EBS5A). Also called: Pidermolysis bullosa simplex 5A, Ogna type; EPIDERMOLYSIS BULLOSA SIMPLEX 5A, OGNA TYPE. Identifiers: Orphanet 79401, MedGen C0432317, MONDO:0007555, OMIM 131950.
Epidermolysis bullosa simplex 5C, with pyloric atresia (EBS5C). Also called: PLEC-Related Epidermolysis Bullosa with Pyloric Atresia; Epidermolysis bullosa simplex with pyloric atresia; PLEC1-Related Epidermolysis Bullosa with Pyloric Atresia. Identifiers: Orphanet 158684, MedGen C2677349, MONDO:0012807, OMIM 612138.
Autosomal recessive limb-girdle muscular dystrophy type 2Q (LGMDR17). Also called: MUSCULAR DYSTROPHY, LIMB-GIRDLE, AUTOSOMAL RECESSIVE 17. Identifiers: Orphanet 254361, MedGen C3150989, MONDO:0013390, OMIM 613723.
Epidermolysis bullosa simplex 5B, with muscular dystrophy (EBS5B). Also called: Epidermolysis bullosa simplex with muscular dystrophy; EPIDERMOLYSIS BULLOSA SIMPLEX AND LIMB-GIRDLE MUSCULAR DYSTROPHY. Identifiers: Orphanet 257, MedGen C2931072, MONDO:0009181, OMIM 226670.
Epidermolysis bullosa simplex with nail dystrophy (EBS5D). Identifiers: MedGen C4225309, MONDO:0014661, OMIM 616487.

gnomAD v4.1: 62 of 1,610,070 alleles (0.0039%); highest among the groups gnomAD compares: African/African-American, 0.012%; no homozygotes.

Submissions (2):

Ambry Genetics
Classification: Uncertain significance for Inborn genetic diseases. Last evaluated: 2025-07-03. Review status: criteria provided, single submitter. Criteria: Ambry Variant Classification Scheme 2023. Collection method: clinical testing. Allele origin: germline.

Labcorp Genetics (formerly Invitae), Labcorp
Classification: Uncertain significance for Autosomal recessive limb-girdle muscular dystrophy type 2Q; Epidermolysis bullosa simplex, Ogna type; Epidermolysis bullosa simplex with nail dystrophy; Epidermolysis bullosa simplex 5C, with pyloric atresia; Epidermolysis bullosa simplex 5B, with muscular dystrophy. Last evaluated: 2025-05-30. Review status: criteria provided, single submitter. Criteria: Invitae Variant Classification Sherloc (09022015). Collection method: clinical testing. Allele origin: germline.
Comment: This sequence change replaces arginine, which is basic and polar, with tryptophan, which is neutral and slightly polar, at codon 2219 of the PLEC protein (p.Arg2219Trp). The frequency data for this variant in the population databases is considered unreliable, as metrics indicate poor data quality at this position in the gnomAD database. This variant has not been reported in the literature in individuals affected with PLEC-related conditions. ClinVar contains an entry for this variant (Variation ID: 1360792). An algorithm developed to predict the effect of missense changes on protein structure and function (PolyPhen-2) suggests that this variant is likely to be disruptive. In summary, the available evidence is currently insufficient to determine the role of this variant in disease. Therefore, it has been classified as a Variant of Uncertain Significance.